The following is an entry in ClinVar:

NM_018941.4(CLN8):c.678_687del (p.Tyr227fs)

Gene: CLN8 (CLN8 transmembrane ER and ERGIC protein; plus strand). Cytogenetic location: 8p23.3.
Variant type: Deletion.
Coding change: c.678_687del on transcript NM_018941.4 (MANE Select); coding-DNA positions 678 to 687, 10 bases deleted (GTATCTGCCT; older notation c.678_687delGTATCTGCCT).
Protein change: p.Tyr227fs; shifts the reading frame from tyrosine 227.
Molecular consequence: frameshift variant.
Genome position (GRCh38, 1-based): chr8:1,780,384-1,780,393, GTATCTGCCT deleted; deleting any 10 consecutive bases within chr8:1,780,380-1,780,393 gives the same sequence; the c. name uses the placement nearest the transcript's 3' end. VCF-style (leftmost placement, unchanged base first): chr8-1780379-AGCCTGTATCT-A. GRCh37 (hg19) VCF-style: chr8-1728545-AGCCTGTATCT-A.
Other names: short protein forms Y227fs.
Identifiers: ClinVar variation 1982054 (VCV001982054.4), dbSNP rs1176445102, ClinGen allele CA849301137.

ClinVar aggregate classification (germline): Pathogenic (1 of 4 stars; one submission).

Conditions:
Neuronal ceroid lipofuscinosis. Also called: Neuronal Ceroid Lipofuscinoses. Identifiers: Orphanet 216, Orphanet 79263, MedGen C0027877, MONDO:0016295. Disease mechanism: loss of function.

Submission:

Labcorp Genetics (formerly Invitae), Labcorp
Classification: Pathogenic for Neuronal ceroid lipofuscinosis. Last evaluated: 2025-04-14. Review status: criteria provided, single submitter. Criteria: Invitae Variant Classification Sherloc (09022015). Collection method: clinical testing. Allele origin: germline.
Comment: This sequence change creates a premature translational stop signal (p.Tyr227Ilefs*2) in the CLN8 gene. While this is not anticipated to result in nonsense mediated decay, it is expected to disrupt the last 60 amino acid(s) of the CLN8 protein. This variant is not present in population databases (gnomAD no frequency). This variant has not been reported in the literature in individuals affected with CLN8-related conditions. ClinVar contains an entry for this variant (Variation ID: 1982054). This variant disrupts a region of the CLN8 protein in which other variant(s) (p.Trp263Cys) have been determined to be pathogenic (PMID: 15024724). This suggests that this is a clinically significant region of the protein, and that variants that disrupt it are likely to be disease-causing. For these reasons, this variant has been classified as Pathogenic.

Literature cited by the submitters: PubMed 15024724.